The following is an entry in ClinVar:

ClinVar aggregate classification (germline): Uncertain significance (1 of 4 stars; one submission).

Conditions:
Meckel syndrome, type 11 (MKS11). Identifiers: Orphanet 564, MedGen C3809352, MONDO:0014164, OMIM 615397.
Joubert syndrome 20 (JBTS20). Identifiers: Orphanet 475, MedGen C3554235, MONDO:0013994, OMIM 614970.

Submission:

Labcorp Genetics (formerly Invitae), Labcorp
Classification: Uncertain significance for Joubert syndrome 20; Meckel syndrome, type 11. Last evaluated: 2022-04-19. Review status: criteria provided, single submitter. Criteria: Invitae Variant Classification Sherloc (09022015). Collection method: clinical testing. Allele origin: germline.
Comment: This sequence change replaces leucine, which is neutral and non-polar, with valine, which is neutral and non-polar, at codon 126 of the TMEM231 protein (p.Leu126Val). This variant is not present in population databases (gnomAD no frequency). This variant has not been reported in the literature in individuals affected with TMEM231-related conditions. Algorithms developed to predict the effect of sequence changes on RNA splicing suggest that this variant may create or strengthen a splice site. Algorithms developed to predict the effect of missense changes on protein structure and function are either unavailable or do not agree on the potential impact of this missense change (SIFT: "Tolerated"; PolyPhen-2: "Not Available"; Align-GVGD: "Class C0"). In summary, the available evidence is currently insufficient to determine the role of this variant in disease. Therefore, it has been classified as a Variant of Uncertain Significance.

NM_001077418.3(TMEM231):c.217C>G (p.Leu73Val)

Gene: TMEM231 (transmembrane protein 231; minus strand). Cytogenetic location: 16q23.1.
Variant type: single nucleotide variant.
Coding change: c.217C>G on transcript NM_001077418.3 (MANE Select); coding-DNA position 217, C replaced by G.
Protein change: p.Leu73Val; replaces leucine 73 with valine.
Molecular consequence: missense variant. On other transcripts: non-coding transcript variant (1).
Genome position (GRCh38, 1-based): chr16:75,555,896, G>C on the plus strand (C>G on the coding strand, the complement: TMEM231 is on the minus strand). VCF-style: chr16-75555896-G-C. GRCh37 (hg19) VCF-style: chr16-75589794-G-C.
Other names: c.376C>G, p.Leu126Val (NM_001077416.2); short protein forms L73V, L126V.
Identifiers: ClinVar variation 1498809 (VCV001498809.8), dbSNP rs2080804915, ClinGen allele CA396809159.